The following is an entry in ClinVar:

ClinVar aggregate classification (germline): Uncertain significance (1 of 4 stars; one submission).

Conditions:
Inborn genetic diseases. Identifiers: MedGen C0950123, MeSH D030342.

gnomAD v4.1: 11 of 1,612,620 alleles (0.00068%); highest among the groups gnomAD compares: African/African-American, 0.0013%; no homozygotes.

Submission:

Ambry Genetics
Classification: Uncertain significance for Inborn genetic diseases. Last evaluated: 2025-05-15. Review status: criteria provided, single submitter. Criteria: Ambry Variant Classification Scheme 2023. Collection method: clinical testing. Allele origin: germline.
Comment: The p.P185T variant (also known as c.553C>A), located in coding exon 1 of the WT1 gene, results from a C to A substitution at nucleotide position 553. The proline at codon 185 is replaced by threonine, an amino acid with highly similar properties. This amino acid position is conserved. In addition, the in silico prediction for this alteration is inconclusive. Based on the available evidence, the clinical significance of this variant remains unclear.

NM_024426.6(WT1):c.568C>A (p.Pro190Thr)

Genes: WT1 (WT1 transcription factor; minus strand), LOC107982234 (WT1/WT1-AS bi-directional promoter region; plus strand). Cytogenetic location: 11p13.
Variant type: single nucleotide variant.
Coding change: c.568C>A on transcript NM_024426.6 (MANE Select); coding-DNA position 568, C replaced by A.
Protein change: p.Pro190Thr; replaces proline 190 with threonine.
Molecular consequence: missense variant. On other transcripts: non-coding transcript variant (2).
Genome position (GRCh38, 1-based): chr11:32,434,793, G>T on the plus strand (C>A on the coding strand, the complement: WT1 is on the minus strand). VCF-style: chr11-32434793-G-T. GRCh37 (hg19) VCF-style: chr11-32456339-G-T.
Other names: c.568C>A, p.Pro190Thr (NM_000378.6, NM_001407044.1, NM_001407045.1 and 6 more transcripts); c.349C>A, p.Pro117Thr (NM_001429031.1, NM_001429032.1, NM_001429033.1 and 1 more transcripts); short protein forms P185T, P190T, P117T.
Identifiers: ClinVar variation 3982468 (VCV003982468.1).